The following is an entry in ClinVar:

ClinVar aggregate classification (germline): Conflicting classifications of pathogenicity. Review status: criteria provided, conflicting classifications (1 of 4 stars). 2 submissions from 2 submitters: Likely pathogenic (1); Uncertain significance (1). Last evaluated 2025-03-28.

Conditions:
Incidental Discovery. Identifiers: MedGen C1135954.
Hereditary spastic paraplegia 8 (SPG8). Also called: SPASTIC PARAPLEGIA 8, AUTOSOMAL DOMINANT. Identifiers: Orphanet 100989, MedGen C1863704, MONDO:0011339, OMIM 603563.

Allele frequency attached by ClinVar (database versions not stated): gnomAD 0.00001; gnomAD exomes 0.00001; ExAC 0.00002; TOPMed 0.00002.
gnomAD v4.1: 11 of 1,613,972 alleles (0.00068%); highest among the groups gnomAD compares: East Asian, 0.0067%; no homozygotes.

Submissions (2):

Clinical Genetics Laboratory, Skane University Hospital Lund
Classification: Uncertain significance for Incidental Discovery. Last evaluated: 2025-03-28. Review status: criteria provided, single submitter. Criteria: ACMG Guidelines, 2015. Collection method: clinical testing. Allele origin: germline.
Comment: ACMG-criteria applied: PM2

Dasa
Classification: Likely pathogenic for Hereditary spastic paraplegia 8. Last evaluated: 2022-11-03. Review status: criteria provided, single submitter. Criteria: ACMG Guidelines, 2015. Collection method: clinical testing. Allele origin: germline. Observed: 1 variant allele.
Comment: The c.1120C>T;p.(Arg374*) variant creates a premature translational stop signal in the WASHC5 gene. It is expected to result in an absent or disrupted protein product - PVS1. The variant is present at low allele frequencies population databases (rs762363112 – gnomAD 0.00006572%; ABraOM no frequency) - PM2_supporting. In summary, the currently available evidence indicates that the variant is likely pathogenic.

NM_014846.4(WASHC5):c.1120C>T (p.Arg374Ter)

Gene: WASHC5 (WASH complex subunit 5; minus strand). Cytogenetic location: 8q24.13.
Variant type: single nucleotide variant.
Coding change: c.1120C>T on transcript NM_014846.4 (MANE Select); coding-DNA position 1120, C replaced by T.
Protein change: p.Arg374Ter; replaces arginine 374 with a stop codon.
Molecular consequence: nonsense.
Genome position (GRCh38, 1-based): chr8:125,073,183, G>A on the plus strand (C>T on the coding strand, the complement: WASHC5 is on the minus strand). VCF-style: chr8-125073183-G-A. GRCh37 (hg19) VCF-style: chr8-126085425-G-A.
Other names: c.676C>T, p.Arg226Ter (NM_001330609.2); short protein forms R226*, R374*.
Identifiers: ClinVar variation 1723226 (VCV001723226.3), dbSNP rs762363112, ClinGen allele CA4873932.